The following is an entry in ClinVar:

NM_001308173.3(CCNJL):c.307G>A (p.Val103Ile)

Gene: CCNJL (cyclin J like; minus strand). Cytogenetic location: 5q33.3.
Variant type: single nucleotide variant.
Coding change: c.307G>A on transcript NM_001308173.3 (MANE Select); coding-DNA position 307, G replaced by A.
Protein change: p.Val103Ile; replaces valine 103 with isoleucine.
Molecular consequence: missense variant. On other transcripts: non-coding transcript variant (2).
Genome position (GRCh38, 1-based): chr5:160,259,745, C>T on the plus strand (G>A on the coding strand, the complement: CCNJL is on the minus strand). VCF-style: chr5-160259745-C-T. GRCh37 (hg19) VCF-style: chr5-159686752-C-T.
Other names: c.451G>A, p.Val151Ile (NM_024565.8); short protein forms V103I, V151I.
Identifiers: ClinVar variation 2656010 (VCV002656010.24), dbSNP rs139134014, ClinGen allele CA3540262.

ClinVar aggregate classification (germline): Benign (1 of 4 stars; one submission).

Allele frequency attached by ClinVar (database versions not stated): 1000 Genomes Project 0.00459; 1000 Genomes Project 30x 0.00468; ESP Exome Variant Server 0.00674; gnomAD 0.00689; ExAC 0.00721.
gnomAD v4.1: 15,350 of 1,611,468 alleles (0.95%); highest among the groups gnomAD compares: Middle Eastern, 1.2%; 104 homozygotes.

Submission:

CeGaT Center for Human Genetics Tuebingen
Classification: Benign. Last evaluated: 2022-11-01. Review status: criteria provided, single submitter. Criteria: CeGaT Center For Human Genetics Tuebingen Variant Classification Criteria Version 2. Collection method: clinical testing. Allele origin: germline. Affected: yes. Observed: 1 variant allele.
Comment: CCNJL: BP4, BS1, BS2